The following is an entry in ClinVar:

ClinVar aggregate classification (germline): Likely benign (1 of 4 stars; one submission).

Conditions:
GLA-related disorder. Also called: GLA-related condition.

Submission:

PreventionGenetics, part of Exact Sciences
Classification: Likely benign for GLA-related condition. Last evaluated: 2025-04-30. Review status: criteria provided, single submitter. Criteria: ACMG Guidelines, 2015. Collection method: clinical testing. Allele origin: germline.
Comment: This variant is classified as likely benign based on ACMG/AMP sequence variant interpretation guidelines (Richards et al. 2015 PMID: 25741868, with internal and published modifications).

NM_000169.3(GLA):c.639+88A>G

Genes: GLA (galactosidase alpha; minus strand), RPL36A-HNRNPH2 (RPL36A-HNRNPH2 readthrough; plus strand). Cytogenetic location: Xq22.1.
Variant type: single nucleotide variant.
Coding change: c.639+88A>G on transcript NM_000169.3 (MANE Select); 88 bases into the intron after coding-DNA position 639, A replaced by G.
Molecular consequence: intron variant.
Genome position (GRCh38, 1-based): chrX:101,400,578, T>C on the plus strand (A>G on the coding strand, the complement: GLA is on the minus strand). VCF-style: chrX-101400578-T-C. GRCh37 (hg19) VCF-style: chrX-100655566-T-C.
Other names: c.300+5121T>C (NM_001199973.2); c.177+8756T>C (NM_001199974.2); c.762+88A>G (NM_001406747.1); c.639+88A>G (NM_001406748.1).
Identifiers: ClinVar variation 4986768 (VCV004986768.1).
Genomic context (GRCh38, chrX:101,400,578, plus strand): 5'-GTGGGGATGGTGAGAAGTGGTTGGAACCTGGGAGAGATGGTAGGATGATAGTAAGTAACG[T>C]TGGACTTTGAAGGAGACCTTGGTTTCCTTTGTTGTCAAGTTCTATCTATCAGTACAGTTC-3'